The following is an entry in ClinVar:

ClinVar aggregate classification (germline): Benign (0 of 4 stars; one submission).

Conditions:
MDN1-related disorder. Also called: MDN1-related condition.

Allele frequency attached by ClinVar (database versions not stated): ExAC 0.00152; 1000 Genomes Project 0.00260; 1000 Genomes Project 30x 0.00281; TOPMed 0.00422; ESP Exome Variant Server 0.00431.
gnomAD v4.1: 1,324 of 1,606,298 alleles (0.082%); highest among the groups gnomAD compares: African/African-American, 1.3%; 4 homozygotes.

Submission:

PreventionGenetics, part of Exact Sciences
Classification: Benign for MDN1-related condition. Last evaluated: 2019-06-24. Review status: no assertion criteria provided. Collection method: clinical testing. Allele origin: germline.
Comment: This variant is classified as benign based on ACMG/AMP sequence variant interpretation guidelines (Richards et al. 2015 PMID: 25741868, with internal and published modifications).

NM_014611.3(MDN1):c.6873G>A (p.Ser2291=)

Gene: MDN1 (midasin AAA ATPase 1; minus strand). Cytogenetic location: 6q15.
Variant type: single nucleotide variant.
Coding change: c.6873G>A on transcript NM_014611.3 (MANE Select); coding-DNA position 6873, G replaced by A.
Protein change: p.Ser2291=; no amino-acid change (serine 2291 retained).
Molecular consequence: synonymous variant.
Genome position (GRCh38, 1-based): chr6:89,714,739, C>T on the plus strand (G>A on the coding strand, the complement: MDN1 is on the minus strand). VCF-style: chr6-89714739-C-T. GRCh37 (hg19) VCF-style: chr6-90424458-C-T.
Identifiers: ClinVar variation 3042884 (VCV003042884.2), dbSNP rs114422841, ClinGen allele CA3924430.